The following is an entry in ClinVar:

NM_174936.4(PCSK9):c.1134C>G (p.Cys378Trp)

Gene: PCSK9 (proprotein convertase subtilisin/kexin type 9; plus strand). Cytogenetic location: 1p32.3.
Variant type: single nucleotide variant.
Coding change: c.1134C>G on transcript NM_174936.4 (MANE Select); coding-DNA position 1134, C replaced by G.
Protein change: p.Cys378Trp; replaces cysteine 378 with tryptophan.
Molecular consequence: missense variant.
Genome position (GRCh38, 1-based): chr1:55,057,468, C>G. VCF-style: chr1-55057468-C-G. GRCh37 (hg19) VCF-style: chr1-55523141-C-G.
Other names: c.1257C>G, p.Cys419Trp (NM_001407240.1); c.1134C>G, p.Cys378Trp (NM_001407241.1, NM_001407244.1, NM_001407247.1); c.1137C>G, p.Cys379Trp (NM_001407242.1); c.1077C>G, p.Cys359Trp (NM_001407243.1); c.942C>G, p.Cys314Trp (NM_001407245.1); c.759C>G, p.Cys253Trp (NM_001407246.1); short protein forms C378W, C379W, C419W, C253W, C314W, C359W.
Identifiers: ClinVar variation 922134 (VCV000922134.8), dbSNP rs776752113, ClinGen allele CA035319.
Genomic context (GRCh38, chr1:55,057,468, plus strand): 5'-TGTGGACCTCTTTGCCCCAGGGGAGGACATCATTGGTGCCTCCAGCGACTGCAGCACCTG[C>G]TTTGTGTCACAGAGTGGGACATCACAGGCTGCTGCCCACGTGGCTGGTAAGTCACCACCC-3'
Protein context (NP_777596.2, residues 368-388): IIGASSDCST[Cys378Trp]FVSQSGTSQA

ClinVar aggregate classification (germline): Uncertain significance. Review status: criteria provided, multiple submitters, no conflicts (2 of 4 stars). 2 submissions from 2 submitters: Uncertain significance (2). Last evaluated 2025-07-25.

Conditions:
Familial hypercholesterolemia. Also called: Familial hypercholesterolemias; Familial hypercholesterolaemia. Identifiers: MedGen C0020445, MONDO:0005439.
Hypercholesterolemia, autosomal dominant, 3 (FHCL3). Also called: Familial hypercholesterolemia 3; Familial Hypercholesterolemia, Autosomal Dominant, 3; PCSK9-Related Familial Hypercholesterolemia, Autosomal Dominant. Identifiers: MedGen C1863551, MONDO:0011369, OMIM 603776.

Allele frequency attached by ClinVar (database versions not stated): TOPMed 0.00002.
gnomAD v4.1: 6 of 1,613,956 alleles (0.00037%); highest among the groups gnomAD compares: East Asian, 0.013%; no homozygotes.

Submissions (2):

Color Diagnostics, LLC DBA Color Health
Classification: Uncertain significance for Familial hypercholesterolemia. Last evaluated: 2025-07-25. Review status: criteria provided, single submitter. Criteria: ACMG Guidelines, 2015. Collection method: clinical testing. Allele origin: germline.
Comment: This missense variant replaces cysteine with tryptophan at codon 378 of the PCSK9 protein. Computational prediction is inconclusive regarding the impact of this variant on protein structure and function. To our knowledge, functional studies have not been reported for this variant. This variant has not been reported in individuals affected with PCSK9-related disorders in the literature. This variant has been identified in 3/250912 chromosomes in the general population by the Genome Aggregation Database (gnomAD). The available evidence is insufficient to determine the role of this variant in disease conclusively. Therefore, this variant is classified as a Variant of Uncertain Significance.

All of Us Research Program, National Institutes of Health
Classification: Uncertain significance for Hypercholesterolemia, autosomal dominant, 3. Last evaluated: 2023-05-16. Review status: criteria provided, single submitter. Criteria: ACMG Guidelines, 2015. Collection method: clinical testing. Allele origin: germline. Inheritance: Autosomal dominant inheritance. Observed: 2 variant alleles, 2 heterozygotes.
Comment: This missense variant replaces cysteine with tryptophan at codon 378 of the PCSK9 protein. Computational prediction is inconclusive regarding the impact of this variant on protein structure and function (internally defined REVEL score threshold 0.5 < inconclusive < 0.7, PMID: 27666373). To our knowledge, functional studies have not been reported for this variant. This variant has not been reported in individuals affected with familial hypercholesterolemia in the literature. This variant has been identified in 3/250912 chromosomes in the general population by the Genome Aggregation Database (gnomAD). The available evidence is insufficient to determine the role of this variant in disease conclusively. Therefore, this variant is classified as a Variant of Uncertain Significance.

This study involves interpretation of variants in research participants for the purpose of population health screening. Participant phenotype was not available at the time of variant classification. Additional details can be found in publication PMID: 35346344, PMCID: PMC8962531